The following is an entry in ClinVar:

ClinVar aggregate classification (germline): Uncertain significance (1 of 4 stars; one submission).

Submission:

GeneDx
Classification: Uncertain significance. Last evaluated: 2024-05-03. Review status: criteria provided, single submitter. Criteria: GeneDx Variant Classification Process June 2021. Collection method: clinical testing. Allele origin: germline. Affected: yes.
Comment: Not observed at significant frequency in large population cohorts (gnomAD); Has not been previously published as pathogenic or benign to our knowledge; In silico analysis suggests this variant may impact gene splicing. In the absence of RNA/functional studies, the actual effect of this sequence change is unknown.

NM_001145358.2(SIN3A):c.3021+3G>T

Gene: SIN3A (SIN3 transcription regulator family member A; minus strand). Cytogenetic location: 15q24.2.
Variant type: single nucleotide variant.
Coding change: c.3021+3G>T on transcript NM_001145358.2 (MANE Select); 3 bases into the intron after coding-DNA position 3021, G replaced by T.
Molecular consequence: intron variant.
Genome position (GRCh38, 1-based): chr15:75,389,649, C>A on the plus strand (G>T on the coding strand, the complement: SIN3A is on the minus strand). VCF-style: chr15-75389649-C-A. GRCh37 (hg19) VCF-style: chr15-75681990-C-A.
Other names: c.3021+3G>T (NM_001145357.2, NM_015477.3).
Identifiers: ClinVar variation 3376045 (VCV003376045.1).
Genomic context (GRCh38, chr15:75,389,649, plus strand): 5'-CGTGGCCCATCTCTAGGTAAGGATTTCTTCCCTTACTCACCCTAGCCTCCTCCATGCCCT[C>A]ACCTGTCTGACAATGCTCTGGATCAGTTTGTCCATGGTAAAGGCAATGTAGGCATGAATG-3'